The following is an entry in ClinVar:

NM_001291415.2(KDM6A):c.2522A>G (p.Asn841Ser)

Gene: KDM6A (lysine demethylase 6A; plus strand). Cytogenetic location: Xp11.3.
Variant type: single nucleotide variant.
Coding change: c.2522A>G on transcript NM_001291415.2 (MANE Select); coding-DNA position 2522, A replaced by G.
Protein change: p.Asn841Ser; replaces asparagine 841 with serine.
Molecular consequence: missense variant. On other transcripts: non-coding transcript variant (1).
Genome position (GRCh38, 1-based): chrX:45,070,021, A>G. VCF-style: chrX-45070021-A-G. GRCh37 (hg19) VCF-style: chrX-44929266-A-G.
Other names: c.2387A>G, p.Asn796Ser (NM_001291416.2); c.2231A>G, p.Asn744Ser (NM_001291417.2); c.2129A>G, p.Asn710Ser (NM_001291418.2); c.1478A>G, p.Asn493Ser (NM_001291421.2); c.2366A>G, p.Asn789Ser (NM_021140.4); short protein forms N493S, N710S, N744S, N789S, N796S, N841S.
Identifiers: ClinVar variation 1336645 (VCV001336645.8), dbSNP rs747545667, ClinGen allele CA10392517.

ClinVar aggregate classification (germline): Uncertain significance. Review status: criteria provided, multiple submitters, no conflicts (2 of 4 stars). 3 submissions from 3 submitters: Uncertain significance (3). Last evaluated 2024-04-12.

Conditions:
Kabuki syndrome 2 (KABUK2). Also called: KDM6A-Related Kabuki Syndrome. Identifiers: Orphanet 2322, MedGen C3275495, MONDO:0010465, OMIM 300867.

Allele frequency attached by ClinVar (database versions not stated): ExAC 0.00001; gnomAD 0.00001; gnomAD exomes 0.00001; TOPMed 0.00001.
gnomAD v4.1: 15 of 1,209,809 alleles (0.0012%); highest among the groups gnomAD compares: Admixed American, 0.0044%; no homozygotes.

Submissions (3):

Fulgent Genetics
Classification: Uncertain significance for Kabuki syndrome 2. Last evaluated: 2024-04-12. Review status: criteria provided, single submitter. Criteria: ACMG Guidelines, 2015. Collection method: clinical testing. Allele origin: germline.

Labcorp Genetics (formerly Invitae), Labcorp
Classification: Uncertain significance for Kabuki syndrome 2. Last evaluated: 2024-02-19. Review status: criteria provided, single submitter. Criteria: Invitae Variant Classification Sherloc (09022015). Collection method: clinical testing. Allele origin: germline.
Comment: This sequence change replaces asparagine, which is neutral and polar, with serine, which is neutral and polar, at codon 789 of the KDM6A protein (p.Asn789Ser). This variant is present in population databases (rs747545667, gnomAD 0.004%), including at least one homozygous and/or hemizygous individual. This variant has not been reported in the literature in individuals affected with KDM6A-related conditions. ClinVar contains an entry for this variant (Variation ID: 1336645). Advanced modeling of protein sequence and biophysical properties (such as structural, functional, and spatial information, amino acid conservation, physicochemical variation, residue mobility, and thermodynamic stability) performed at Invitae indicates that this missense variant is not expected to disrupt KDM6A protein function with a negative predictive value of 80%. In summary, the available evidence is currently insufficient to determine the role of this variant in disease. Therefore, it has been classified as a Variant of Uncertain Significance.

Genetic Services Laboratory, University of Chicago
Classification: Uncertain significance. Last evaluated: 2018-05-15. Review status: criteria provided, single submitter. Criteria: ACMG Guidelines, 2015. Collection method: clinical testing. Allele origin: germline. Affected: no.